The following is an entry in ClinVar:

NM_005585.5(SMAD6):c.686T>G (p.Leu229Arg)

Gene: SMAD6 (SMAD family member 6; plus strand). Cytogenetic location: 15q22.31.
Variant type: single nucleotide variant.
Coding change: c.686T>G on transcript NM_005585.5 (MANE Select); coding-DNA position 686, T replaced by G.
Protein change: p.Leu229Arg; replaces leucine 229 with arginine.
Molecular consequence: missense variant. On other transcripts: non-coding transcript variant (1).
Genome position (GRCh38, 1-based): chr15:66,703,944, T>G. VCF-style: chr15-66703944-T-G. GRCh37 (hg19) VCF-style: chr15-66996282-T-G.
Other names: short protein forms L229R.
Identifiers: ClinVar variation 3668036 (VCV003668036.2).

ClinVar aggregate classification (germline): Uncertain significance (1 of 4 stars; one submission).

Conditions:
Aortic valve disease 2 (AOVD2). Identifiers: MedGen C3542024, MONDO:0013902, OMIM 614823.

gnomAD v4.1: 1 of 1,388,554 alleles (0.000072%); highest among the groups gnomAD compares: Non-Finnish European, 0.000094%; no homozygotes.

Submission:

Labcorp Genetics (formerly Invitae), Labcorp
Classification: Uncertain significance for Aortic valve disease 2. Last evaluated: 2024-05-09. Review status: criteria provided, single submitter. Criteria: Invitae Variant Classification Sherloc (09022015). Collection method: clinical testing. Allele origin: germline.
Comment: This sequence change replaces leucine, which is neutral and non-polar, with arginine, which is basic and polar, at codon 229 of the SMAD6 protein (p.Leu229Arg). This variant is not present in population databases (gnomAD no frequency). This variant has not been reported in the literature in individuals affected with SMAD6-related conditions. Advanced modeling of protein sequence and biophysical properties (such as structural, functional, and spatial information, amino acid conservation, physicochemical variation, residue mobility, and thermodynamic stability) performed at Invitae indicates that this missense variant is not expected to disrupt SMAD6 protein function with a negative predictive value of 80%. In summary, the available evidence is currently insufficient to determine the role of this variant in disease. Therefore, it has been classified as a Variant of Uncertain Significance.